The following is an entry in ClinVar:

ClinVar aggregate classification (germline): Uncertain significance (1 of 4 stars; one submission).

Conditions:
Hereditary cancer-predisposing syndrome. Also called: Neoplastic Syndromes, Hereditary; Tumor predisposition; Hereditary neoplastic syndrome; Hereditary Cancer Syndrome. Identifiers: Orphanet 140162, MedGen C0027672, MeSH D009386, MONDO:0015356.

Submission:

Ambry Genetics
Classification: Uncertain significance for Hereditary cancer-predisposing syndrome. Last evaluated: 2022-12-07. Review status: criteria provided, single submitter. Criteria: Ambry Variant Classification Scheme 2023. Collection method: clinical testing. Allele origin: germline.
Comment: The c.783_785dupAGA variant (also known as p.E261dup), located in coding exon 4 of the MSH3 gene, results from an in-frame duplication of AGA at nucleotide positions 783 to 785. This results in the duplication of an extra residue between codons 261 and 262. This amino acid position is well conserved in available vertebrate species. In addition, this alteration is predicted to be deleterious by in silico analysis (Choi Y et al. PLoS ONE. 2012; 7(10):e46688). Since supporting evidence is limited at this time, the clinical significance of this alteration remains unclear.

NM_002439.5(MSH3):c.783_785dup (p.Glu261_Asp262insGlu)

Gene: MSH3 (mutS homolog 3; plus strand). Cytogenetic location: 5q14.1.
Variant type: Duplication.
Coding change: c.783_785dup on transcript NM_002439.5 (MANE Select); coding-DNA positions 783 to 785, 3 bases duplicated (AGA; older notation c.783_785dupAGA).
Protein change: p.Glu261_Asp262insGlu.
Molecular consequence: inframe insertion.
Genome position (GRCh38, 1-based): chr5:80,670,300-80,670,302, AGA duplicated; duplicating any 3 consecutive bases within chr5:80,670,298-80,670,302 gives the same sequence; the c. name uses the placement nearest the transcript's 3' end. VCF-style (leftmost placement, unchanged base first): chr5-80670297-G-GGAA. GRCh37 (hg19) VCF-style: chr5-79966116-G-GGAA.
Identifiers: ClinVar variation 2451047 (VCV002451047.2), dbSNP rs2546721283, ClinGen allele CA2580073516.